The following is an entry in ClinVar:

NM_182914.3(SYNE2):c.10331C>T (p.Ser3444Leu)

Gene: SYNE2 (spectrin repeat containing nuclear envelope protein 2; plus strand). Cytogenetic location: 14q23.2.
Variant type: single nucleotide variant.
Coding change: c.10331C>T on transcript NM_182914.3 (MANE Select); coding-DNA position 10331, C replaced by T.
Protein change: p.Ser3444Leu; replaces serine 3444 with leucine.
Molecular consequence: missense variant.
Genome position (GRCh38, 1-based): chr14:64,065,550, C>T. VCF-style: chr14-64065550-C-T. GRCh37 (hg19) VCF-style: chr14-64532268-C-T.
Other names: c.10331C>T, p.Ser3444Leu (NM_015180.6); short protein forms S3444L.
Identifiers: ClinVar variation 283435 (VCV000283435.21), dbSNP rs372338837, ClinGen allele CA7221484.

ClinVar aggregate classification (germline): Conflicting classifications of pathogenicity. Review status: criteria provided, conflicting classifications (1 of 4 stars). 4 submissions from 4 submitters: Uncertain significance (3); Likely benign (1). Last evaluated 2025-06-01.

Conditions:
Emery-Dreifuss muscular dystrophy 5, autosomal dominant (EDMD5). Also called: EMERY-DREIFUSS MUSCULAR DYSTROPHY 5. Identifiers: Orphanet 261, MedGen C2751805, MONDO:0013072, OMIM 612999.

Allele frequency attached by ClinVar (database versions not stated): gnomAD exomes 0.00002; ExAC 0.00004; gnomAD 0.00007 and 0.00009; ESP Exome Variant Server 0.00008; TOPMed 0.00011.
gnomAD v4.1: 54 of 1,613,904 alleles (0.0033%); highest among the groups gnomAD compares: African/African-American, 0.041%; no homozygotes.

Submissions (4):

CeGaT Center for Human Genetics Tuebingen
Classification: Likely benign. Last evaluated: 2025-06-01. Review status: criteria provided, single submitter. Criteria: CeGaT Center For Human Genetics Tuebingen Variant Classification Criteria Version 2. Collection method: clinical testing. Allele origin: germline. Affected: yes. Observed: 1 variant allele.
Comment: SYNE2: BP4

Labcorp Genetics (formerly Invitae), Labcorp
Classification: Uncertain significance for Emery-Dreifuss muscular dystrophy 5, autosomal dominant. Last evaluated: 2025-03-26. Review status: criteria provided, single submitter. Criteria: Invitae Variant Classification Sherloc (09022015). Collection method: clinical testing. Allele origin: germline.
Comment: This sequence change replaces serine, which is neutral and polar, with leucine, which is neutral and non-polar, at codon 3444 of the SYNE2 protein (p.Ser3444Leu). This variant is present in population databases (rs372338837, gnomAD 0.03%). This variant has not been reported in the literature in individuals affected with SYNE2-related conditions. ClinVar contains an entry for this variant (Variation ID: 283435). An algorithm developed to predict the effect of missense changes on protein structure and function outputs the following: PolyPhen-2: "Benign". The leucine amino acid residue is found in multiple mammalian species, which suggests that this missense change does not adversely affect protein function. In summary, the available evidence is currently insufficient to determine the role of this variant in disease. Therefore, it has been classified as a Variant of Uncertain Significance.

Ambry Genetics
Classification: Uncertain significance. Last evaluated: 2024-10-25. Review status: criteria provided, single submitter. Criteria: Ambry Variant Classification Scheme 2023. Collection method: clinical testing. Allele origin: germline.

Eurofins Ntd Llc (ga)
Classification: Uncertain significance. Last evaluated: 2015-09-22. Review status: criteria provided, single submitter. Criteria: EGL Classification Definitions 2015. Collection method: clinical testing. Allele origin: germline. Observed: 1 variant allele, 1 heterozygote.